The following is an entry in ClinVar:

ClinVar aggregate classification (germline): Uncertain significance. Review status: criteria provided, multiple submitters, no conflicts (2 of 4 stars). 2 submissions from 2 submitters: Uncertain significance (2). Last evaluated 2025-05-28.

Conditions:
Fanconi anemia complementation group Q. Identifiers: Orphanet 84, MedGen C3808988, MONDO:0014108, OMIM 615272.
Xeroderma pigmentosum, group F (XPF). Also called: ERCC4-Related Xeroderma Pigmentosum; XERODERMA PIGMENTOSUM VI; XP, GROUP F; XERODERMA PIGMENTOSUM, TYPE F; Xeroderma pigmentosum, type 6; XERODERMA PIGMENTOSUM, COMPLEMENTATION GROUP F. Identifiers: MedGen C0268140, MONDO:0010215, OMIM 278760.
Cockayne syndrome. Identifiers: Orphanet 191, MedGen C0009207, MONDO:0016006.

Allele frequency attached by ClinVar (database versions not stated): gnomAD 0.00001; gnomAD exomes 0.00001 and 0.00006; TOPMed 0.00002; ExAC 0.00007.
gnomAD v4.1: 16 of 1,612,390 alleles (0.00099%); highest among the groups gnomAD compares: East Asian, 0.033%; no homozygotes.

Submissions (2):

Labcorp Genetics (formerly Invitae), Labcorp
Classification: Uncertain significance for Fanconi anemia complementation group Q; Xeroderma pigmentosum, group F; Cockayne syndrome. Last evaluated: 2025-05-28. Review status: criteria provided, single submitter. Criteria: Invitae Variant Classification Sherloc (09022015). Collection method: clinical testing. Allele origin: germline.
Comment: This sequence change replaces isoleucine, which is neutral and non-polar, with methionine, which is neutral and non-polar, at codon 266 of the ERCC4 protein (p.Ile266Met). The frequency data for this variant in the population databases is considered unreliable, as metrics indicate poor data quality at this position in the gnomAD database. This missense change has been observed in individual(s) with pancreatic ductal adenocarcinoma (PMID: 35171259). ClinVar contains an entry for this variant (Variation ID: 652281). Invitae Evidence Modeling of protein sequence and biophysical properties (such as structural, functional, and spatial information, amino acid conservation, physicochemical variation, residue mobility, and thermodynamic stability) indicates that this missense variant is expected to disrupt ERCC4 protein function with a positive predictive value of 80%. In summary, the available evidence is currently insufficient to determine the role of this variant in disease. Therefore, it has been classified as a Variant of Uncertain Significance.

Baylor Genetics
Classification: Uncertain significance for Fanconi anemia complementation group Q. Last evaluated: 2020-07-17. Review status: criteria provided, single submitter. Criteria: ACMG Guidelines, 2015. Collection method: clinical testing. Allele origin: unknown. Affected: yes. Study: CSER-TexasKidsCanSeq.
Comment: This variant was determined to be of uncertain significance according to ACMG Guidelines, 2015 [PMID:25741868].

Literature cited by the submitters: PubMed 35171259 (cited by Labcorp Genetics (formerly Invitae), Labcorp).

NM_005236.3(ERCC4):c.798C>G (p.Ile266Met)

Gene: ERCC4 (ERCC excision repair 4, endonuclease catalytic subunit; plus strand). Cytogenetic location: 16p13.12.
Variant type: single nucleotide variant.
Coding change: c.798C>G on transcript NM_005236.3 (MANE Select); coding-DNA position 798, C replaced by G.
Protein change: p.Ile266Met; replaces isoleucine 266 with methionine.
Molecular consequence: missense variant.
Genome position (GRCh38, 1-based): chr16:13,930,715, C>G. VCF-style: chr16-13930715-C-G. GRCh37 (hg19) VCF-style: chr16-14024572-C-G.
Other names: short protein forms I266M.
Identifiers: ClinVar variation 652281 (VCV000652281.11), dbSNP rs746106147, ClinGen allele CA7910285.